The following is an entry in ClinVar:

ClinVar aggregate classification (germline): Likely benign. Review status: criteria provided, multiple submitters, no conflicts (2 of 4 stars). 9 submissions from 9 submitters: Likely benign (9). Last evaluated 2026-03-06.

Conditions:
MYH7-related disorder. Also called: MYH7-related condition; MYH7-related disease; MYH7-related disorders.
Cardiovascular phenotype. Identifiers: MedGen CN230736.
Cardiomyopathy (CMYO). Also called: Cardiomyopathies. Identifiers: Orphanet 167848, MedGen C0878544, MONDO:0004994, HP:0001638. Inheritance: Various modes of inheritance.
Hypertrophic cardiomyopathy. Also called: HYPERTROPHIC MYOCARDIOPATHY. Identifiers: Orphanet 217569, MedGen C0007194, MeSH D002312, MONDO:0005045, HP:0001639.

Allele frequency attached by ClinVar (database versions not stated): gnomAD 0.00002; TOPMed 0.00002; ExAC 0.00004; gnomAD exomes 0.00004.
gnomAD v4.1: 49 of 1,614,052 alleles (0.003%); highest among the groups gnomAD compares: Middle Eastern, 0.016%; no homozygotes.

Submissions (9):

PreventionGenetics, part of Exact Sciences
Classification: Likely benign for MYH7-related condition. Last evaluated: 2026-03-06. Review status: criteria provided, single submitter. Criteria: ACMG Guidelines, 2015. Collection method: clinical testing. Allele origin: germline.
Comment: This variant is classified as likely benign based on ACMG/AMP sequence variant interpretation guidelines (Richards et al. 2015 PMID: 25741868, with internal and published modifications).

Labcorp Genetics (formerly Invitae), Labcorp
Classification: Likely benign for Hypertrophic cardiomyopathy. Last evaluated: 2025-07-02. Review status: criteria provided, single submitter. Criteria: Invitae Variant Classification Sherloc (09022015). Collection method: clinical testing. Allele origin: germline.

Blueprint Genetics
Classification: Likely benign. Last evaluated: 2024-05-20. Review status: criteria provided, single submitter. Criteria: ACMG Guidelines, 2015. Collection method: clinical testing. Allele origin: germline.

All of Us Research Program, National Institutes of Health
Classification: Likely benign for Cardiomyopathy. Last evaluated: 2023-12-13. Review status: criteria provided, single submitter. Criteria: ACMG Guidelines, 2015. Collection method: clinical testing. Allele origin: germline. Inheritance: Autosomal dominant inheritance. Observed: 7 variant alleles, 7 heterozygotes.
Comment: This study involves interpretation of variants in research participants for the purpose of population health screening. Participant phenotype was not available at the time of variant classification. Additional details can be found in publication PMID: 35346344, PMCID: PMC8962531

Ambry Genetics
Classification: Likely benign for Cardiovascular phenotype. Last evaluated: 2023-08-13. Review status: criteria provided, single submitter. Criteria: Ambry Variant Classification Scheme 2023. Collection method: clinical testing. Allele origin: germline.

CHEO Genetics Diagnostic Laboratory, Children's Hospital of Eastern Ontario
Classification: Likely benign for Cardiomyopathy. Last evaluated: 2021-11-30. Review status: criteria provided, single submitter. Criteria: ACMG Guidelines, 2015. Collection method: clinical testing. Allele origin: germline.

Color Diagnostics, LLC DBA Color Health
Classification: Likely benign for Cardiomyopathy. Last evaluated: 2018-11-21. Review status: criteria provided, single submitter. Criteria: ACMG Guidelines, 2015. Collection method: clinical testing. Allele origin: germline.

GeneDx
Classification: Likely benign. Last evaluated: 2017-11-15. Review status: criteria provided, single submitter. Criteria: GeneDx Variant Classification (06012015). Collection method: clinical testing. Allele origin: germline. Affected: yes.
Comment: This variant is considered likely benign or benign based on one or more of the following criteria: it is a conservative change, it occurs at a poorly conserved position in the protein, it is predicted to be benign by multiple in silico algorithms, and/or has population frequency not consistent with disease.

Laboratory for Molecular Medicine, Mass General Brigham Personalized Medicine
Classification: Likely benign. Last evaluated: 2012-06-01. Review status: criteria provided, single submitter. Criteria: LMM Criteria. Collection method: clinical testing. Allele origin: germline. Observed: 2 variant alleles.
Comment: Ile506Ile in exon 15 of MYH7: This variant is not expected to have clinical sign ificance because it does not alter an amino acid residue and is not located with in the splice consensus sequence. Ile506Ile in exon 15 of MYH7 (allele frequenc y = n/a)

NM_000257.4(MYH7):c.1518C>T (p.Ile506=)

Gene: MYH7 (myosin heavy chain 7; minus strand). Cytogenetic location: 14q11.2.
Variant type: single nucleotide variant.
Coding change: c.1518C>T on transcript NM_000257.4 (MANE Select); coding-DNA position 1518, C replaced by T.
Protein change: p.Ile506=; no amino-acid change (isoleucine 506 retained).
Molecular consequence: synonymous variant.
Genome position (GRCh38, 1-based): chr14:23,428,560, G>A on the plus strand (C>T on the coding strand, the complement: MYH7 is on the minus strand). VCF-style: chr14-23428560-G-A. GRCh37 (hg19) VCF-style: chr14-23897769-G-A.
Identifiers: ClinVar variation 42846 (VCV000042846.21), dbSNP rs397516108, ClinGen allele CA010883.
Genomic context (GRCh38, chr14:23,428,560, plus strand): 5'-CTTCTCGATGAGGTCAATGCAGGCCTGCAGGTCCATGCCAAAGTCAATGAATGTCCACTC[G>A]ATGCCCTCCTTCTTGTACTCCTCCTGCTCCAGCACAAACATGTGGTGGTTGAAGAACTGC-3'
Protein context (NP_000248.2, residues 496-516): LEQEEYKKEG[Ile506=]EWTFIDFGMD